The following is an entry in ClinVar:

NM_004958.4(MTOR):c.6166_6167delinsTT (p.Ala2056Phe)

Gene: MTOR (mechanistic target of rapamycin kinase; minus strand). Cytogenetic location: 1p36.22.
Variant type: Indel.
Coding change: c.6166_6167delinsTT on transcript NM_004958.4 (MANE Select); coding-DNA positions 6166 to 6167, GC replaced by TT.
Protein change: p.Ala2056Phe; replaces alanine 2056 with phenylalanine.
Molecular consequence: missense variant.
Genome position (GRCh38, 1-based): chr1:11,127,673-11,127,674, GC replaced by AA on the plus strand (GC replaced by TT on the coding strand, the reverse complement: MTOR is on the minus strand). VCF-style: chr1-11127673-GC-AA. GRCh37 (hg19) VCF-style: chr1-11187730-GC-AA.
Other names: c.6166_6167delinsTT, p.Ala2056Phe (NM_001386500.1); c.4918_4919delinsTT, p.Ala1640Phe (NM_001386501.1); short protein forms A1640F, A2056F.
Identifiers: ClinVar variation 3658387 (VCV003658387.2).

ClinVar aggregate classification (germline): Uncertain significance (1 of 4 stars; one submission).

Submission:

Labcorp Genetics (formerly Invitae), Labcorp
Classification: Uncertain significance. Last evaluated: 2024-07-01. Review status: criteria provided, single submitter. Criteria: Invitae Variant Classification Sherloc (09022015). Collection method: clinical testing. Allele origin: germline.
Comment: This sequence change replaces alanine, which is neutral and non-polar, with phenylalanine, which is neutral and non-polar, at codon 2056 of the MTOR protein (p.Ala2056Phe). Information on the frequency of this variant in the gnomAD database is not available, as this variant may be reported differently in the database. This variant has not been reported in the literature in individuals affected with MTOR-related conditions. An algorithm developed to predict the effect of missense changes on protein structure and function (PolyPhen-2) suggests that this variant is likely to be disruptive. In summary, the available evidence is currently insufficient to determine the role of this variant in disease. Therefore, it has been classified as a Variant of Uncertain Significance.